The following is an entry in ClinVar:

ClinVar aggregate classification (germline): Uncertain significance (1 of 4 stars; one submission).

Conditions:
Hereditary cancer-predisposing syndrome. Also called: Neoplastic Syndromes, Hereditary; Tumor predisposition; Hereditary Cancer Syndrome; Hereditary neoplastic syndrome. Identifiers: Orphanet 140162, MedGen C0027672, MeSH D009386, MONDO:0015356.

Submission:

Ambry Genetics
Classification: Uncertain significance for Hereditary cancer-predisposing syndrome. Last evaluated: 2020-02-10. Review status: criteria provided, single submitter. Criteria: Ambry Variant Classification Scheme 2023. Collection method: clinical testing. Allele origin: germline.
Comment: The p.N298T variant (also known as c.893A>C), located in coding exon 2 of the AXIN2 gene, results from an A to C substitution at nucleotide position 893. The asparagine at codon 298 is replaced by threonine, an amino acid with similar properties. This amino acid position is highly conserved in available vertebrate species. In addition, the in silico prediction for this alteration is inconclusive. Since supporting evidence is limited at this time, the clinical significance of this alteration remains unclear.

NM_004655.4(AXIN2):c.893A>C (p.Asn298Thr)

Gene: AXIN2 (axin 2; minus strand). Cytogenetic location: 17q24.1.
Variant type: single nucleotide variant.
Coding change: c.893A>C on transcript NM_004655.4 (MANE Select); coding-DNA position 893, A replaced by C.
Protein change: p.Asn298Thr; replaces asparagine 298 with threonine.
Molecular consequence: missense variant.
Genome position (GRCh38, 1-based): chr17:65,549,583, T>G on the plus strand (A>C on the coding strand, the complement: AXIN2 is on the minus strand). VCF-style: chr17-65549583-T-G. GRCh37 (hg19) VCF-style: chr17-63545701-T-G.
Other names: c.893A>C, p.Asn298Thr (NM_001363813.1); short protein forms N298T.
Identifiers: ClinVar variation 1765173 (VCV001765173.2), dbSNP rs139274803, ClinGen allele CA400679555.